The following is an entry in ClinVar:

ClinVar aggregate classification (germline): Pathogenic. Review status: criteria provided, multiple submitters, no conflicts (2 of 4 stars). 2 submissions from 2 submitters: Pathogenic (2). Last evaluated 2025-04-10.

Conditions:
Seizure. Also called: Seizures. Identifiers: MedGen C0036572, HP:0001250.

Submissions (2):

Cytogénomique, Hospices Civils de Lyon
Classification: Pathogenic for Seizure. Last evaluated: 2025-04-10. Review status: criteria provided, single submitter. Criteria: ACMG Guidelines, 2015. Collection method: clinical testing. Allele origin: unknown. Affected: yes.

Athena Diagnostics
Classification: Pathogenic. Last evaluated: 2023-05-05. Review status: criteria provided, single submitter. Criteria: Athena Diagnostics Criteria. Collection method: clinical testing. Allele origin: unknown.
Comment: This variant is expected to result in the loss of a functional protein. This variant has not been reported in large, multi-ethnic general populations. This variant has been identified in at least one individual with clinical features associated with this gene.

Literature cited by the submitters: PubMed 28444220 (cited by Athena Diagnostics).

NM_001127222.2(CACNA1A):c.6028C>T (p.Gln2010Ter)

Gene: CACNA1A (calcium voltage-gated channel subunit alpha1 A; minus strand). Cytogenetic location: 19p13.13.
Variant type: single nucleotide variant.
Coding change: c.6028C>T on transcript NM_001127222.2 (MANE Select); coding-DNA position 6028, C replaced by T.
Protein change: p.Gln2010Ter; replaces glutamine 2010 with a stop codon.
Molecular consequence: nonsense.
Genome position (GRCh38, 1-based): chr19:13,212,653, G>A on the plus strand (C>T on the coding strand, the complement: CACNA1A is on the minus strand). VCF-style: chr19-13212653-G-A. GRCh37 (hg19) VCF-style: chr19-13323467-G-A.
Other names: c.6046C>T, p.Gln2016Ter (NM_000068.4, NM_023035.3); c.6031C>T, p.Gln2011Ter (NM_001127221.2); c.6037C>T, p.Gln2013Ter (NM_001174080.2); short protein forms Q2011*, Q2016*, Q2010*, Q2013*.
Identifiers: ClinVar variation 446937 (VCV000446937.3), dbSNP rs1355062450, ClinGen allele CA404333404.